The following is an entry in ClinVar:

NM_001042492.3(NF1):c.8444A>C (p.His2815Pro)

Gene: NF1 (neurofibromin 1; plus strand). Cytogenetic location: 17q11.2.
Variant type: single nucleotide variant.
Coding change: c.8444A>C on transcript NM_001042492.3 (MANE Select); coding-DNA position 8444, A replaced by C.
Protein change: p.His2815Pro; replaces histidine 2815 with proline.
Molecular consequence: missense variant.
Genome position (GRCh38, 1-based): chr17:31,374,079, A>C. VCF-style: chr17-31374079-A-C. GRCh37 (hg19) VCF-style: chr17-29701097-A-C.
Other names: c.8381A>C, p.His2794Pro (NM_000267.4); short protein forms H2815P, H2794P.
Identifiers: ClinVar variation 2452279 (VCV002452279.2), dbSNP rs2151601441, ClinGen allele CA399205988.

ClinVar aggregate classification (germline): Uncertain significance (1 of 4 stars; one submission).

Conditions:
Hereditary cancer-predisposing syndrome. Also called: Neoplastic Syndromes, Hereditary; Tumor predisposition; Hereditary neoplastic syndrome; Hereditary Cancer Syndrome. Identifiers: Orphanet 140162, MedGen C0027672, MeSH D009386, MONDO:0015356.
Cardiovascular phenotype. Identifiers: MedGen CN230736.

Submission:

Ambry Genetics
Classification: Uncertain significance for Cardiovascular phenotype; Hereditary cancer-predisposing syndrome. Last evaluated: 2023-01-12. Review status: criteria provided, single submitter. Criteria: Ambry Variant Classification Scheme 2023. Collection method: clinical testing. Allele origin: germline.
Comment: The p.H2794P variant (also known as c.8381A>C), located in coding exon 57 of the NF1 gene, results from an A to C substitution at nucleotide position 8381. The histidine at codon 2794 is replaced by proline, an amino acid with similar properties. This amino acid position is conserved. In addition, the in silico prediction for this alteration is inconclusive. Since supporting evidence is limited at this time, the clinical significance of this alteration remains unclear.